The following is an entry in ClinVar:

NM_001069.3(TUBB2A):c.266A>G (p.Asn89Ser)

Gene: TUBB2A (tubulin beta 2A class IIa; minus strand). Cytogenetic location: 6p25.2.
Variant type: single nucleotide variant.
Coding change: c.266A>G on transcript NM_001069.3 (MANE Select); coding-DNA position 266, A replaced by G.
Protein change: p.Asn89Ser; replaces asparagine 89 with serine.
Molecular consequence: missense variant. On other transcripts: 5 prime UTR variant (1).
Genome position (GRCh38, 1-based): chr6:3,155,636, T>C on the plus strand (A>G on the coding strand, the complement: TUBB2A is on the minus strand). VCF-style: chr6-3155636-T-C. GRCh37 (hg19) VCF-style: chr6-3155870-T-C.
Other names: c.-122A>G (NM_001310315.2); c.266A>G (NM_001069.2); short protein forms N89S.
Identifiers: ClinVar variation 1995789 (VCV001995789.6), dbSNP rs1266387773, ClinGen allele CA362593146.
Genomic context (GRCh38, chr6:3,155,636, plus strand): 5'-GGAAGAAGGTGTGTCATTTGGCCAGTTCCCAGTGATCATGACTACATACCGAACACGAAG[T>C]TGTCTGGTCTGAAGATCTGGCCGAAGGGTCCAGACCTGACAGAGTCCATGGTGCCAGGCT-3'
Protein context (NP_001060.1, residues 79-99): GPFGQIFRPD[Asn89Ser]FVFGQSGAGN

ClinVar aggregate classification (germline): Uncertain significance (1 of 4 stars; one submission).

Conditions:
Complex cortical dysplasia with other brain malformations 5. Identifiers: MedGen C3810407, MONDO:0014337, OMIM 615763.

Allele frequency attached by ClinVar (database versions not stated): gnomAD exomes below 0.00001; gnomAD 0.00001.

Submission:

Labcorp Genetics (formerly Invitae), Labcorp
Classification: Uncertain significance. Last evaluated: 2023-10-13. Review status: criteria provided, single submitter. Criteria: Invitae Variant Classification Sherloc (09022015). Collection method: clinical testing. Allele origin: germline.
Comment: This sequence change replaces asparagine, which is neutral and polar, with serine, which is neutral and polar, at codon 89 of the TUBB2A protein (p.Asn89Ser). This variant is present in population databases (no rsID available, gnomAD 0.01%). This variant has not been reported in the literature in individuals affected with TUBB2A-related conditions. ClinVar contains an entry for this variant (Variation ID: 1995789). Advanced modeling of protein sequence and biophysical properties (such as structural, functional, and spatial information, amino acid conservation, physicochemical variation, residue mobility, and thermodynamic stability) performed at Invitae indicates that this missense variant is not expected to disrupt TUBB2A protein function. In summary, the available evidence is currently insufficient to determine the role of this variant in disease. Therefore, it has been classified as a Variant of Uncertain Significance.